The following is an entry in ClinVar:

ClinVar aggregate classification (germline): Likely pathogenic (1 of 4 stars; one submission).

Submission:

Genetic Medico-Diagnostic Laboratory Genica
Classification: Likely pathogenic. Last evaluated: 2023-05-12. Review status: criteria provided, single submitter. Criteria: ACMG Guidelines, 2015. Collection method: clinical testing. Allele origin: germline. Affected: yes. Observed: 1 heterozygote.
Comment: The variant is described as Likely pathogenic according to the ACMG Guidelines, 2015.

NM_004438.5(EPHA4):c.1655_1656del (p.Ser552fs)

Gene: EPHA4 (EPH receptor A4; minus strand). Cytogenetic location: 2q36.1.
Variant type: Microsatellite.
Coding change: c.1655_1656del on transcript NM_004438.5 (MANE Select); coding-DNA positions 1655 to 1656, 2 bases deleted (CT; older notation c.1655_1656delCT).
Protein change: p.Ser552fs; shifts the reading frame from serine 552.
Molecular consequence: frameshift variant.
Genome position (GRCh38, 1-based): chr2:221,455,606-221,455,607, AG deleted on the plus strand (CT on the coding strand, the reverse complement: EPHA4 is on the minus strand); deleting any 2 consecutive bases within chr2:221,455,606-221,455,610 gives the same sequence; the c. name uses the placement nearest the transcript's 3' end. VCF-style (leftmost placement, unchanged base first): chr2-221455605-CAG-C. GRCh37 (hg19) VCF-style: chr2-222320325-CAG-C.
Other names: c.1655_1656del, p.Ser552fs (NM_001304536.2, NM_001363748.2); c.1502_1503del, p.Ser501fs (NM_001304537.2); short protein forms S501fs, S552fs.
Identifiers: ClinVar variation 2502421 (VCV002502421.2), dbSNP rs2469225427, ClinGen allele CA2580616710.
Genomic context (GRCh38, chr2:221,455,605, plus strand): 5'-ACCTCCGGCTGATGACAAAAGCTGCAATGAGAATTACCACCAGCACCACACTGCCCGAGA[CAG>C]AGACCAGAAGGACTGTGGAGTTAGCCCCATCTCCAATGATCCGGGAAGGCACTGGGAATG-3'